The following is an entry in ClinVar:

ClinVar aggregate classification (germline): Uncertain significance (1 of 4 stars; one submission).

Conditions:
Peroxisome biogenesis disorder 2B (PBD2B). Identifiers: Orphanet 44, MedGen C3550234, MONDO:0008736, OMIM 202370.

Allele frequency attached by ClinVar (database versions not stated): gnomAD exomes below 0.00001.
gnomAD v4.1: 1 of 1,614,094 alleles (0.000062%); highest among the groups gnomAD compares: Non-Finnish European, 0.000085%; no homozygotes.

Submission:

Labcorp Genetics (formerly Invitae), Labcorp
Classification: Uncertain significance for Peroxisome biogenesis disorder 2B. Last evaluated: 2023-04-12. Review status: criteria provided, single submitter. Criteria: Invitae Variant Classification Sherloc (09022015). Collection method: clinical testing. Allele origin: germline.
Comment: This sequence change replaces aspartic acid, which is acidic and polar, with asparagine, which is neutral and polar, at codon 428 of the PEX5 protein (p.Asp428Asn). This variant is not present in population databases (gnomAD no frequency). This variant has not been reported in the literature in individuals affected with PEX5-related conditions. ClinVar contains an entry for this variant (Variation ID: 2125948). Advanced modeling of protein sequence and biophysical properties (such as structural, functional, and spatial information, amino acid conservation, physicochemical variation, residue mobility, and thermodynamic stability) performed at Invitae indicates that this missense variant is not expected to disrupt PEX5 protein function. In summary, the available evidence is currently insufficient to determine the role of this variant in disease. Therefore, it has been classified as a Variant of Uncertain Significance.

NM_001351132.2(PEX5):c.1282G>A (p.Asp428Asn)

Gene: PEX5 (peroxisomal biogenesis factor 5; plus strand). Cytogenetic location: 12p13.31.
Variant type: single nucleotide variant.
Coding change: c.1282G>A on transcript NM_001351132.2 (MANE Select); coding-DNA position 1282, G replaced by A.
Protein change: p.Asp428Asn; replaces aspartic acid 428 with asparagine.
Molecular consequence: missense variant.
Genome position (GRCh38, 1-based): chr12:7,208,557, G>A. VCF-style: chr12-7208557-G-A. GRCh37 (hg19) VCF-style: chr12-7361153-G-A.
Other names: c.1258G>A, p.Asp420Asn (NM_000319.5); c.1327G>A, p.Asp443Asn (NM_001131023.2); c.1171G>A, p.Asp391Asn (NM_001131024.2, NM_001351124.3, NM_001351126.2 and 7 more transcripts); c.1282G>A, p.Asp428Asn (NM_001131025.2, NM_001131026.2, NM_001300789.3 and 4 more transcripts); c.1216G>A, p.Asp406Asn (NM_001351135.3, NM_001351138.2); c.1273G>A, p.Asp425Asn (NM_001351136.2); c.1147G>A, p.Asp383Asn (NM_001351139.2, NM_001351140.2, NM_001374649.2); short protein forms D425N, D383N, D420N, D406N, D428N, D443N, D391N.
Identifiers: ClinVar variation 2125948 (VCV002125948.4), dbSNP rs2540273916, ClinGen allele CA383733188.